The following is an entry in ClinVar:

NM_001244710.2(GFPT1):c.*2428G>A

Gene: GFPT1 (glutamine--fructose-6-phosphate transaminase 1; minus strand). Cytogenetic location: 2p13.3.
Variant type: single nucleotide variant.
Coding change: c.*2428G>A on transcript NM_001244710.2 (MANE Select); 2428 bases downstream of the stop codon, G replaced by A.
Molecular consequence: 3 prime UTR variant.
Genome position (GRCh38, 1-based): chr2:69,323,761, C>T on the plus strand (G>A on the coding strand, the complement: GFPT1 is on the minus strand). VCF-style: chr2-69323761-C-T. GRCh37 (hg19) VCF-style: chr2-69550893-C-T.
Other names: c.*2428G>A (NM_002056.4).
Identifiers: ClinVar variation 897971 (VCV000897971.4), dbSNP rs191588030, ClinGen allele CA49442622.

ClinVar aggregate classification (germline): Likely benign (1 of 4 stars; one submission).

Conditions:
Congenital myasthenic syndrome 12 (CMS12). Also called: MYASTHENIC SYNDROME, CONGENITAL, WITH TUBULAR AGGREGATES 1; Myasthenia, congenital, 12, with tubular aggregates. Identifiers: Orphanet 353327, Orphanet 590, MedGen C3552335, MONDO:0012518, OMIM 610542.

Allele frequency attached by ClinVar (database versions not stated): 1000 Genomes Project 30x 0.00250; 1000 Genomes Project 0.00260; gnomAD 0.00305 and 0.00321; TOPMed 0.00352.

Submission:

Illumina Laboratory Services, Illumina
Classification: Likely benign for Congenital myasthenic syndrome 12. Last evaluated: 2018-01-13. Review status: criteria provided, single submitter. Criteria: ICSL Variant Classification Criteria 13 December 2019. Collection method: clinical testing. Allele origin: germline.
Comment: This variant was observed in the ICSL laboratory as part of a predisposition screen in an ostensibly healthy population. It had not been previously curated by ICSL or reported in the Human Gene Mutation Database (HGMD: prior to June 1st, 2018), and was therefore a candidate for classification through an automated scoring system. Utilizing variant allele frequency, disease prevalence and penetrance estimates, and inheritance mode, an automated score was calculated to assess if this variant is too frequent to cause the disease. Based on the score and internal cut-off values, a variant classified as likely benign is not then subjected to further curation. The score for this variant resulted in a classification of likely benign for this disease.